The following is an entry in ClinVar:

NM_001267550.2(TTN):c.29420+234C>T

Gene: TTN (titin; minus strand). Cytogenetic location: 2q31.2.
Variant type: single nucleotide variant.
Coding change: c.29420+234C>T on transcript NM_001267550.2 (MANE Select); 234 bases into the intron after coding-DNA position 29420, C replaced by T.
Molecular consequence: intron variant.
Genome position (GRCh38, 1-based): chr2:178,706,220, G>A on the plus strand (C>T on the coding strand, the complement: TTN is on the minus strand). VCF-style: chr2-178706220-G-A. GRCh37 (hg19) VCF-style: chr2-179570947-G-A.
Other names: c.13282+31862C>T (NM_003319.4); c.13858+31862C>T (NM_133437.4); c.13657+31862C>T (NM_133432.3); c.25688+234C>T (NM_133378.4); c.28469+234C>T (NM_001256850.1).
Identifiers: ClinVar variation 679105 (VCV000679105.1), dbSNP rs115308041, ClinGen allele CA61000769.

ClinVar aggregate classification (germline): Likely benign (1 of 4 stars; one submission).

Allele frequency attached by ClinVar (database versions not stated): 1000 Genomes Project 0.00379; gnomAD 0.00402 and 0.00431; 1000 Genomes Project 30x 0.00406; TOPMed 0.00448.
gnomAD v4.1: 608 of 152,302 alleles (0.4%); highest among the groups gnomAD compares: African/African-American, 1.4%; 3 homozygotes.

Submission:

GeneDx
Classification: Likely benign. Last evaluated: 2018-06-14. Review status: criteria provided, single submitter. Criteria: GeneDx Variant Classification (06012015). Collection method: clinical testing. Allele origin: germline. Affected: yes.
Comment: This variant is considered likely benign or benign based on one or more of the following criteria: it is a conservative change, it occurs at a poorly conserved position in the protein, it is predicted to be benign by multiple in silico algorithms, and/or has population frequency not consistent with disease.